The following is an entry in ClinVar:

ClinVar aggregate classification (germline): Pathogenic (1 of 4 stars; one submission).

Allele frequency attached by ClinVar (database versions not stated): ExAC 0.00001; 1000 Genomes Project 30x 0.00016; 1000 Genomes Project 0.00020.

Submission:

Labcorp Genetics (formerly Invitae), Labcorp
Classification: Pathogenic. Last evaluated: 2023-01-21. Review status: criteria provided, single submitter. Criteria: Invitae Variant Classification Sherloc (09022015). Collection method: clinical testing. Allele origin: germline.
Comment: For these reasons, this variant has been classified as Pathogenic. ClinVar contains an entry for this variant (Variation ID: 1517973). This premature translational stop signal has been observed in individual(s) with clinical features of autosomal recessive MYH3-related conditions (Invitae). This variant is present in population databases (rs562708339, gnomAD 0.007%). This sequence change creates a premature translational stop signal (p.Arg144*) in the MYH3 gene. It is expected to result in an absent or disrupted protein product. Loss-of-function variants in MYH3 are known to be pathogenic (PMID: 29805041, 30008475).

Literature cited by the submitters: PubMed 29805041; PubMed 30008475.

NM_002470.4(MYH3):c.430C>T (p.Arg144Ter)

Gene: MYH3 (myosin heavy chain 3; minus strand). Cytogenetic location: 17p13.1.
Variant type: single nucleotide variant.
Coding change: c.430C>T on transcript NM_002470.4 (MANE Select); coding-DNA position 430, C replaced by T.
Protein change: p.Arg144Ter; replaces arginine 144 with a stop codon.
Molecular consequence: nonsense.
Genome position (GRCh38, 1-based): chr17:10,651,587, G>A on the plus strand (C>T on the coding strand, the complement: MYH3 is on the minus strand). VCF-style: chr17-10651587-G-A. GRCh37 (hg19) VCF-style: chr17-10554904-G-A.
Other names: short protein forms R144*.
Identifiers: ClinVar variation 1517973 (VCV001517973.6), dbSNP rs562708339, ClinGen allele CA8393283.